The following is an entry in ClinVar:

ClinVar aggregate classification (germline): Benign/Likely benign. Review status: criteria provided, multiple submitters, no conflicts (2 of 4 stars). 3 submissions from 3 submitters: Benign (1); Likely benign (2). Last evaluated 2026-06-10.

Conditions:
Tumor predisposition syndrome 2 (TPDS2). Also called: MBD4-Related Tumor Predisposition Syndrome; MBD4-associated neoplasia syndrome (MANS); MBD4-ASSOCIATED NEOPLASIA SYNDROME. Identifiers: Orphanet 661526, MedGen C5774186, MONDO:0859267, OMIM 619975.
Inborn genetic diseases. Identifiers: MedGen C0950123, MeSH D030342.

gnomAD v4.1: 15 of 1,613,982 alleles (0.00093%); highest among the groups gnomAD compares: Non-Finnish European, 0.0012%; no homozygotes.

Submissions (3):

Myriad Genetics, Inc.
Classification: Benign for Tumor predisposition syndrome 2. Last evaluated: 2026-06-10. Review status: criteria provided, single submitter. Criteria: Myriad Autosomal Dominant, Autosomal Recessive and X-Linked Classification Criteria (2023). Collection method: clinical testing. Allele origin: unknown.
Comment: This variant is considered benign. This variant is a silent/synonymous amino acid change and it is not expected to impact splicing.

Labcorp Genetics (formerly Invitae), Labcorp
Classification: Likely benign. Last evaluated: 2025-05-13. Review status: criteria provided, single submitter. Criteria: Invitae Variant Classification Sherloc (09022015). Collection method: clinical testing. Allele origin: germline.

Ambry Genetics
Classification: Likely benign for Inborn genetic diseases. Last evaluated: 2025-01-23. Review status: criteria provided, single submitter. Criteria: Ambry Variant Classification Scheme 2023. Collection method: clinical testing. Allele origin: germline.

NM_001276270.2(MBD4):c.1095G>A (p.Val365=)

Gene: MBD4 (methyl-CpG binding domain 4, DNA glycosylase; minus strand). Cytogenetic location: 3q21.3.
Variant type: single nucleotide variant.
Coding change: c.1095G>A on transcript NM_001276270.2 (MANE Select); coding-DNA position 1095, G replaced by A.
Protein change: p.Val365=; no amino-acid change (valine 365 retained).
Molecular consequence: synonymous variant. On other transcripts: intron variant (1).
Genome position (GRCh38, 1-based): chr3:129,436,549, C>T on the plus strand (G>A on the coding strand, the complement: MBD4 is on the minus strand). VCF-style: chr3-129436549-C-T. GRCh37 (hg19) VCF-style: chr3-129155392-C-T.
Other names: c.1095G>A, p.Val365= (NM_001276271.2, NM_001276272.2, NM_003925.3); c.247+1259G>A (NM_001276273.2).
Identifiers: ClinVar variation 3700487 (VCV003700487.4).